The following is an entry in ClinVar:

NM_006158.5(NEFL):c.1045-3C>T

Genes: NEFL (neurofilament light chain; minus strand), LOC126860330 (BRD4-independent group 4 enhancer GRCh37_chr8:24811677-24812876; plus strand). Cytogenetic location: 8p21.2.
Variant type: single nucleotide variant.
Coding change: c.1045-3C>T on transcript NM_006158.5 (MANE Select); 3 bases into the intron before coding-DNA position 1045, C replaced by T.
Molecular consequence: intron variant.
Genome position (GRCh38, 1-based): chr8:24,954,308, G>A on the plus strand (C>T on the coding strand, the complement: NEFL is on the minus strand). VCF-style: chr8-24954308-G-A. GRCh37 (hg19) VCF-style: chr8-24811822-G-A.
Identifiers: ClinVar variation 3656708 (VCV003656708.2).

ClinVar aggregate classification (germline): Uncertain significance (1 of 4 stars; one submission).

Conditions:
Charcot-Marie-Tooth disease type 2E (CMT2E). Also called: CHARCOT-MARIE-TOOTH DISEASE, AXONAL, TYPE 2E; CHARCOT-MARIE-TOOTH NEUROPATHY, TYPE 2E. Identifiers: Orphanet 99939, MedGen C1843225, MONDO:0011894, OMIM 607684.

gnomAD v4.1: 1 of 1,607,338 alleles (0.000062%); highest among the groups gnomAD compares: Non-Finnish European, 0.000085%; no homozygotes.

Submission:

Labcorp Genetics (formerly Invitae), Labcorp
Classification: Uncertain significance for Charcot-Marie-Tooth disease type 2E. Last evaluated: 2024-06-15. Review status: criteria provided, single submitter. Criteria: Invitae Variant Classification Sherloc (09022015). Collection method: clinical testing. Allele origin: germline.
Comment: This sequence change falls in intron 1 of the NEFL gene. It does not directly change the encoded amino acid sequence of the NEFL protein. It affects a nucleotide within the consensus splice site. This variant is not present in population databases (gnomAD no frequency). This variant has not been reported in the literature in individuals affected with NEFL-related conditions. Variants that disrupt the consensus splice site are a relatively common cause of aberrant splicing (PMID: 17576681, 9536098). Algorithms developed to predict the effect of sequence changes on RNA splicing suggest that this variant is not likely to affect RNA splicing. In summary, the available evidence is currently insufficient to determine the role of this variant in disease. Therefore, it has been classified as a Variant of Uncertain Significance.

Literature cited by the submitters: PubMed 17576681; PubMed 9536098.